The following is an entry in ClinVar:

ClinVar aggregate classification (germline): Likely benign. Review status: criteria provided, multiple submitters, no conflicts (2 of 4 stars). 5 submissions from 5 submitters: Likely benign (5). Last evaluated 2026-01-19.

Conditions:
BRCA2-related cancer predisposition. Identifiers: MedGen CN377758, MONDO:0700269.
Hereditary cancer-predisposing syndrome. Also called: Hereditary Cancer Syndrome; Hereditary neoplastic syndrome; Neoplastic Syndromes, Hereditary; Tumor predisposition. Identifiers: Orphanet 140162, MedGen C0027672, MeSH D009386, MONDO:0015356.
Hereditary breast ovarian cancer syndrome. Also called: Hereditary breast and ovarian cancer syndrome; Hereditary breast and ovarian cancer; Breast and ovarian cancer; BRCA1- and BRCA2-Associated Hereditary Breast and Ovarian Cancer; Hereditary breast and/or ovarian cancer syndrome; Hereditary breast and ovarian cancer syndrome (HBOC). Identifiers: Orphanet 145, MedGen C0677776, MeSH D061325, MONDO:0003582. Disease mechanism: loss of function.

Allele frequency attached by ClinVar (database versions not stated): gnomAD exomes below 0.00001; ExAC 0.00001.

Submissions (5):

Labcorp Genetics (formerly Invitae), Labcorp
Classification: Likely benign for Hereditary breast ovarian cancer syndrome. Last evaluated: 2026-01-19. Review status: criteria provided, single submitter. Criteria: Invitae Variant Classification Sherloc (09022015). Collection method: clinical testing. Allele origin: germline.

Department of Pathology and Laboratory Medicine, Sinai Health System
Classification: Likely benign for BRCA2-related cancer predisposition. Last evaluated: 2024-12-27. Review status: criteria provided, single submitter. Criteria: ACMG Guidelines, 2015. Collection method: clinical testing. Allele origin: germline.

Color Diagnostics, LLC DBA Color Health
Classification: Likely benign for Hereditary cancer-predisposing syndrome. Last evaluated: 2023-11-13. Review status: criteria provided, single submitter. Criteria: ACMG Guidelines, 2015. Collection method: clinical testing. Allele origin: germline.

GeneDx
Classification: Likely benign. Last evaluated: 2016-05-25. Review status: criteria provided, single submitter. Criteria: GeneDx Variant Classification (06012015). Collection method: clinical testing. Allele origin: germline. Affected: yes.
Comment: This variant is considered likely benign or benign based on one or more of the following criteria: it is a conservative change, it occurs at a poorly conserved position in the protein, it is predicted to be benign by multiple in silico algorithms, and/or has population frequency not consistent with disease.

Ambry Genetics
Classification: Likely benign for Hereditary cancer-predisposing syndrome. Last evaluated: 2016-02-24. Review status: criteria provided, single submitter. Criteria: Ambry Variant Classification Scheme 2023. Collection method: clinical testing. Allele origin: germline.

NM_000059.4(BRCA2):c.5958C>T (p.Val1986=)

Gene: BRCA2 (BRCA2 DNA repair associated; plus strand). Cytogenetic location: 13q13.1.
Variant type: single nucleotide variant.
Coding change: c.5958C>T on transcript NM_000059.4 (MANE Select); coding-DNA position 5958, C replaced by T.
Protein change: p.Val1986=; no amino-acid change (valine 1986 retained).
Molecular consequence: synonymous variant.
Genome position (GRCh38, 1-based): chr13:32,340,313, C>T. VCF-style: chr13-32340313-C-T. GRCh37 (hg19) VCF-style: chr13-32914450-C-T.
Identifiers: ClinVar variation 386649 (VCV000386649.18), dbSNP rs746347650, ClinGen allele CA6940918.
Genomic context (GRCh38, chr13:32,340,313, plus strand): 5'-TAAGTCAGTCTCATCTGCAAATACTTGTGGGATTTTTAGCACAGCAAGTGGAAAATCTGT[C>T]CAGGTATCAGATGCTTCATTACAAAACGCAAGACAAGTGTTTTCTGAAATAGAAGATAGT-3'
Protein context (NP_000050.3, residues 1976-1996): GIFSTASGKS[Val1986=]QVSDASLQNA